The following is an entry in ClinVar:

NM_003924.4(PHOX2B):c.286C>A (p.Arg96Ser)

Gene: PHOX2B (paired like homeobox 2B; minus strand). Cytogenetic location: 4p13.
Variant type: single nucleotide variant.
Coding change: c.286C>A on transcript NM_003924.4 (MANE Select); coding-DNA position 286, C replaced by A.
Protein change: p.Arg96Ser; replaces arginine 96 with serine.
Molecular consequence: missense variant.
Genome position (GRCh38, 1-based): chr4:41,747,492, G>T on the plus strand (C>A on the coding strand, the complement: PHOX2B is on the minus strand). VCF-style: chr4-41747492-G-T. GRCh37 (hg19) VCF-style: chr4-41749509-G-T.
Other names: c.286C>A (NM_003924.3); short protein forms R96S.
Identifiers: ClinVar variation 1483397 (VCV001483397.10), dbSNP rs1450088667, ClinGen allele CA356740450.

ClinVar aggregate classification (germline): Uncertain significance. Review status: criteria provided, multiple submitters, no conflicts (2 of 4 stars). 3 submissions from 3 submitters: Uncertain significance (3). Last evaluated 2026-07-07.

Conditions:
Hereditary cancer-predisposing syndrome. Also called: Hereditary Cancer Syndrome; Tumor predisposition; Neoplastic Syndromes, Hereditary; Hereditary neoplastic syndrome. Identifiers: Orphanet 140162, MedGen C0027672, MeSH D009386, MONDO:0015356.
Haddad syndrome (OHD). Also called: Ondine-Hirschsprung disease. Identifiers: Orphanet 99803, MedGen C1859049, MONDO:0020493.

Submissions (3):

Ambry Genetics
Classification: Uncertain significance for Hereditary cancer-predisposing syndrome. Last evaluated: 2026-07-07. Review status: criteria provided, single submitter. Criteria: Ambry Variant Classification Scheme 2023. Collection method: clinical testing. Allele origin: germline.
Comment: The p.R96S variant (also known as c.286C>A), located in coding exon 2 of the PHOX2B gene, results from a C to A substitution at nucleotide position 286. The arginine at codon 96 is replaced by serine, an amino acid with dissimilar properties. This amino acid position is conserved. In addition, this alteration is predicted to be deleterious by in silico analysis. Based on the available evidence, the clinical significance of this variant remains unclear.

GeneDx
Classification: Uncertain significance. Last evaluated: 2023-08-16. Review status: criteria provided, single submitter. Criteria: GeneDx Variant Classification Process June 2021. Collection method: clinical testing. Allele origin: germline. Affected: yes.
Comment: Not observed at significant frequency in large population cohorts (gnomAD); In silico analysis supports that this missense variant has a deleterious effect on protein structure/function; Has not been previously published as pathogenic or benign to our knowledge

Labcorp Genetics (formerly Invitae), Labcorp
Classification: Uncertain significance for Haddad syndrome. Last evaluated: 2021-09-04. Review status: criteria provided, single submitter. Criteria: Invitae Variant Classification Sherloc (09022015). Collection method: clinical testing. Allele origin: germline.
Comment: This variant is not present in population databases (ExAC no frequency). This variant has not been reported in the literature in individuals affected with PHOX2B-related conditions. Algorithms developed to predict the effect of missense changes on protein structure and function (SIFT, PolyPhen-2, Align-GVGD) all suggest that this variant is likely to be disruptive. In summary, the available evidence is currently insufficient to determine the role of this variant in disease. Therefore, it has been classified as a Variant of Uncertain Significance. This sequence change replaces arginine with serine at codon 96 of the PHOX2B protein (p.Arg96Ser). The arginine residue is highly conserved and there is a moderate physicochemical difference between arginine and serine.